The following is an entry in ClinVar:

ClinVar aggregate classification (germline): Uncertain significance (1 of 4 stars; one submission).

Conditions:
Hereditary cancer-predisposing syndrome. Also called: Tumor predisposition; Hereditary Cancer Syndrome; Hereditary neoplastic syndrome; Neoplastic Syndromes, Hereditary. Identifiers: Orphanet 140162, MedGen C0027672, MeSH D009386, MONDO:0015356.

gnomAD v4.1: 1 of 1,610,684 alleles (0.000062%); highest among the groups gnomAD compares: South Asian, 0.0011%; no homozygotes.

Submission:

Ambry Genetics
Classification: Uncertain significance for Hereditary cancer-predisposing syndrome. Last evaluated: 2024-05-28. Review status: criteria provided, single submitter. Criteria: Ambry Variant Classification Scheme 2023. Collection method: clinical testing. Allele origin: germline.
Comment: The p.E410K variant (also known as c.1228G>A), located in coding exon 11 of the MRE11A gene, results from a G to A substitution at nucleotide position 1228. The glutamic acid at codon 410 is replaced by lysine, an amino acid with similar properties. This amino acid position is conserved. In addition, this alteration is predicted to be tolerated by in silico analysis. Based on the available evidence, the clinical significance of this variant remains unclear.

NM_005591.4(MRE11):c.1228G>A (p.Glu410Lys)

Gene: MRE11 (MRE11 double strand break repair nuclease; minus strand). Cytogenetic location: 11q21.
Variant type: single nucleotide variant.
Coding change: c.1228G>A on transcript NM_005591.4 (MANE Select); coding-DNA position 1228, G replaced by A.
Protein change: p.Glu410Lys; replaces glutamic acid 410 with lysine.
Molecular consequence: missense variant.
Genome position (GRCh38, 1-based): chr11:94,461,034, C>T on the plus strand (G>A on the coding strand, the complement: MRE11 is on the minus strand). VCF-style: chr11-94461034-C-T. GRCh37 (hg19) VCF-style: chr11-94194200-C-T.
Other names: c.1228G>A, p.Glu410Lys (NM_001330347.2, NM_005590.4); short protein forms E410K.
Identifiers: ClinVar variation 3295806 (VCV003295806.1).
Genomic context (GRCh38, chr11:94,461,034, plus strand): 5'-CTACCCTTAAAGTTGTTCCTTCTGAAGGCTTTGTGATAAGTTTCCCAAAGTTGATCTCTT[C>T]TCCTAGAAAAAAAGAAGTATATCAAAAAATAGCTTCTATCATAATGTTAAAATGTGCATA-3'
Protein context (NP_005582.1, residues 400-420): RHREQKEKTG[Glu410Lys]EINFGKLITK